The following continues an entry in ClinVar:

NM_000243.3(MEFV):c.688G>A (p.Glu230Lys)

Gene: MEFV. ClinVar aggregate classification (germline): Conflicting classifications of pathogenicity. Uncertain significance (13); Likely benign (1).

Submissions 14 to 17 of 17:

Neuberg Centre For Genomic Medicine, NCGM
Classification: Uncertain significance for Familial Mediterranean fever. Review status: criteria provided, single submitter. Criteria: ACMG Guidelines, 2015. Collection method: clinical testing. Allele origin: germline. Inheritance: Autosomal recessive inheritance. Affected: yes.
Comment: The observed missense c.688G>A (p.Glu230Lys) variant in MEFV gene has been reported previously in both homozygous and compound heterozygous states in multiple individuals affected with Familial Mediterranean fever (FMF) (Timmann et al., 2001; Lainka et al., 2012; Arpacı et al., 2021). However, no details are available for independent assessment. This variant is present with the allele frequency of 0.06% in the gnomAD Exomes. This variant has been submitted to the ClinVar database as Likely Benign/ Pathogenic/ Uncertain Significance (multiple submissions). Computational evidence (Polyphen - Benign, SIFT - Damaging and MutationTaster - Polymorphism) predicts conflicting evidence on protein structure and function for this variant. The reference amino acid of p.Glu230Lys in MEFV is predicted as conserved by GERP++ and PhyloP across 100 vertebrates. The amino acid Glu at position 230 is changed to a Lys changing protein sequence and it might alter its composition and physico-chemical properties. For these reasons, this variant has been classified as Uncertain Significance.

Counsyl
Classification: Uncertain significance for Familial Mediterranean fever. Last evaluated: 2017-05-08. Review status: no assertion criteria provided. Collection method: clinical testing. Allele origin: unknown. Not counted in ClinVar's aggregate classification.

Unité médicale des maladies autoinflammatoires, CHRU Montpellier
No classification provided. Condition: Familial Mediterranean fever. Review status: no classification provided. Collection method: not provided. Allele origin: unknown. Not counted in ClinVar's aggregate classification.

CENTOGENE GmbH and LLC - Guiding Precision Medicine
Classification: Pathogenic for Familial Mediterranean fever. Review status: flagged submission. Criteria: ACMG Guidelines, 2015. Collection method: clinical testing. Allele origin: de novo. Affected: yes. Not counted in ClinVar's aggregate classification.
ClinVar note: Reason: Outlier claim with insufficient supporting evidence

Literature cited by the submitters: PubMed 11464238 (cited by Women's Health and Genetics/Laboratory Corporation of America, LabCorp and Illumina Laboratory Services, Illumina); PubMed 21413889 (cited by Women's Health and Genetics/Laboratory Corporation of America, LabCorp and Counsyl); PubMed 22903357 (cited by Women's Health and Genetics/Laboratory Corporation of America, LabCorp and Counsyl); PubMed 11470495 (cited by Women's Health and Genetics/Laboratory Corporation of America, LabCorp and Counsyl); PubMed 23505242 (cited by Women's Health and Genetics/Laboratory Corporation of America, LabCorp); PubMed 33738724 (cited by Women's Health and Genetics/Laboratory Corporation of America, LabCorp); PubMed 27333294 (cited by Women's Health and Genetics/Laboratory Corporation of America, LabCorp); PubMed 19762364 (cited by Women's Health and Genetics/Laboratory Corporation of America, LabCorp and Counsyl); PubMed 35358658 (cited by Women's Health and Genetics/Laboratory Corporation of America, LabCorp); PubMed 35298548 (cited by Women's Health and Genetics/Laboratory Corporation of America, LabCorp); PubMed 24929125 (cited by Counsyl); PubMed 17489852 (cited by Counsyl); PubMed 24233262 (cited by Counsyl); PubMed 24469716 (cited by Counsyl); PubMed 26215181 (cited by Counsyl); PubMed 22614345 (cited by Counsyl).